The following is an entry in ClinVar:

NM_032242.4(PLXNA1):c.2639C>T (p.Thr880Met)

Gene: PLXNA1 (plexin A1; plus strand). Cytogenetic location: 3q21.3.
Variant type: single nucleotide variant.
Coding change: c.2639C>T on transcript NM_032242.4 (MANE Select); coding-DNA position 2639, C replaced by T.
Protein change: p.Thr880Met; replaces threonine 880 with methionine.
Molecular consequence: missense variant.
Genome position (GRCh38, 1-based): chr3:127,014,512, C>T. VCF-style: chr3-127014512-C-T. GRCh37 (hg19) VCF-style: chr3-126733355-C-T.
Other names: short protein forms T880M.
Identifiers: ClinVar variation 3353892 (VCV003353892.1).

ClinVar aggregate classification (germline): Uncertain significance (0 of 4 stars; one submission).

Conditions:
PLXNA1-related disorder. Also called: PLXNA1-related condition.

gnomAD v4.1: 10 of 1,607,350 alleles (0.00062%); highest among the groups gnomAD compares: African/African-American, 0.0027%; no homozygotes.

Submission:

PreventionGenetics, part of Exact Sciences
Classification: Uncertain significance for PLXNA1-related condition. Last evaluated: 2024-05-15. Review status: no assertion criteria provided. Collection method: clinical testing. Allele origin: germline.
Comment: The PLXNA1 c.2639C>T variant is predicted to result in the amino acid substitution p.Thr880Met. To our knowledge, this variant has not been reported in the literature. This variant is reported in 0.0055% of alleles in individuals of East Asian descent in gnomAD. At this time, the clinical significance of this variant is uncertain due to the absence of conclusive functional and genetic evidence.